The following is an entry in ClinVar:

NM_001145809.2(MYH14):c.3259C>T (p.Arg1087Trp)

Gene: MYH14 (myosin heavy chain 14; plus strand). Cytogenetic location: 19q13.33.
Variant type: single nucleotide variant.
Coding change: c.3259C>T on transcript NM_001145809.2 (MANE Select); coding-DNA position 3259, C replaced by T.
Protein change: p.Arg1087Trp; replaces arginine 1087 with tryptophan.
Molecular consequence: missense variant.
Genome position (GRCh38, 1-based): chr19:50,271,936, C>T. VCF-style: chr19-50271936-C-T. GRCh37 (hg19) VCF-style: chr19-50775193-C-T.
Other names: c.3160C>T, p.Arg1054Trp (NM_001077186.2); c.3136C>T, p.Arg1046Trp (NM_024729.4); c.3259C>T (NM_001145809.1); short protein forms R1046W, R1087W, R1054W.
Identifiers: ClinVar variation 329929 (VCV000329929.13), dbSNP rs368372273, ClinGen allele CA9593161.
Genomic context (GRCh38, chr19:50,271,936, plus strand): 5'-GCCGAGTTCTCATCCCAGGCAGCTGAGGAGGAGGAGAAGGTCAAGAGCCTCAATAAGCTA[C>T]GGCTCAAATATGAGGCCACAATCGCAGACATGGAGGGTGAGCTCCCGCCCAGCCAGTAGG-3'
Protein context (NP_001139281.1, residues 1077-1097): EEKVKSLNKL[Arg1087Trp]LKYEATIADM

ClinVar aggregate classification (germline): Uncertain significance. Review status: criteria provided, multiple submitters, no conflicts (2 of 4 stars). 4 submissions from 4 submitters: Uncertain significance (4). Last evaluated 2025-07-11.

Conditions:
Autosomal dominant nonsyndromic hearing loss 4A. Also called: Deafness, autosomal dominant 4A. Identifiers: Orphanet 90635, MedGen C1833503, MONDO:0010915, OMIM 600652.
MYH14-related disorder. Also called: MYH14-related condition.

Allele frequency attached by ClinVar (database versions not stated): gnomAD exomes 0.00001 and 0.00003; ExAC 0.00002; gnomAD 0.00003; TOPMed 0.00003; ESP Exome Variant Server 0.00008.
gnomAD v4.1: 19 of 1,611,544 alleles (0.0012%); highest among the groups gnomAD compares: Admixed American, 0.0067%; no homozygotes.

Submissions (4):

PreventionGenetics, part of Exact Sciences
Classification: Uncertain significance for MYH14-related condition. Last evaluated: 2025-07-11. Review status: criteria provided, single submitter. Criteria: ACMG Guidelines, 2015. Collection method: clinical testing. Allele origin: germline.
Comment: The MYH14 c.3259C>T variant is predicted to result in the amino acid substitution p.Arg1087Trp. To our knowledge, this variant has not been reported in the literature. This variant is reported in 0.0088% of alleles in individuals of Latino descent in gnomAD. At this time, the clinical significance of this variant is uncertain due to the absence of conclusive functional and genetic evidence.

Labcorp Genetics (formerly Invitae), Labcorp
Classification: Uncertain significance. Last evaluated: 2023-12-02. Review status: criteria provided, single submitter. Criteria: Invitae Variant Classification Sherloc (09022015). Collection method: clinical testing. Allele origin: germline.
Comment: This sequence change replaces arginine, which is basic and polar, with tryptophan, which is neutral and slightly polar, at codon 1046 of the MYH14 protein (p.Arg1046Trp). This variant is present in population databases (rs368372273, gnomAD 0.009%). This variant has not been reported in the literature in individuals affected with MYH14-related conditions. ClinVar contains an entry for this variant (Variation ID: 329929). Advanced modeling of protein sequence and biophysical properties (such as structural, functional, and spatial information, amino acid conservation, physicochemical variation, residue mobility, and thermodynamic stability) performed at Invitae indicates that this missense variant is expected to disrupt MYH14 protein function with a positive predictive value of 80%. In summary, the available evidence is currently insufficient to determine the role of this variant in disease. Therefore, it has been classified as a Variant of Uncertain Significance.

Laboratory for Molecular Medicine, Mass General Brigham Personalized Medicine
Classification: Uncertain significance. Last evaluated: 2019-07-15. Review status: criteria provided, single submitter. Criteria: LMM Criteria. Collection method: clinical testing. Allele origin: germline. Observed: 1 variant allele.
Comment: The p.Arg1087Trp variant in MYH14 has not been previously reported in individuals with hearing loss, but has been identified in 0.009% (3/34090) of Latino chromosomes by gnomAD. This variant has been reported as a variant of uncertain significance in ClinVar (Variation ID 329929). Computational prediction tools and conservation analyses do not provide strong support for or against an impact to the protein. In summary, the clinical significance of this variant is uncertain. ACMG/AMP Criteria applied: None.

Illumina Laboratory Services, Illumina
Classification: Uncertain significance for Autosomal dominant nonsyndromic hearing loss 4A. Last evaluated: 2018-01-12. Review status: criteria provided, single submitter. Criteria: ICSL Variant Classification Criteria 13 December 2019. Collection method: clinical testing. Allele origin: germline.